The following is an entry in ClinVar:

ClinVar aggregate classification (germline): Benign (1 of 4 stars; one submission).

Conditions:
DICER1-related tumor predisposition. Also called: DICER1 syndrome; DICER1-related pleuropulmonary blastoma cancer predisposition syndrome. Identifiers: Orphanet 284343, MedGen C3839822, MONDO:0100216.

Submission:

Myriad Genetics, Inc.
Classification: Benign for DICER1-related tumor predisposition. Last evaluated: 2026-04-15. Review status: criteria provided, single submitter. Criteria: Myriad Autosomal Dominant, Autosomal Recessive and X-Linked Classification Criteria (2023). Collection method: clinical testing. Allele origin: unknown.
Comment: This variant is considered benign. This variant is a silent/synonymous amino acid change and it is not expected to impact splicing.

NM_177438.3(DICER1):c.1062A>G (p.Lys354=)

Gene: DICER1 (dicer 1, ribonuclease III; minus strand). Cytogenetic location: 14q32.13.
Variant type: single nucleotide variant.
Coding change: c.1062A>G on transcript NM_177438.3 (MANE Select); coding-DNA position 1062, A replaced by G.
Protein change: p.Lys354=; no amino-acid change (lysine 354 retained).
Molecular consequence: synonymous variant. On other transcripts: 5 prime UTR variant (1), non-coding transcript variant (6).
Genome position (GRCh38, 1-based): chr14:95,124,510, T>C on the plus strand (A>G on the coding strand, the complement: DICER1 is on the minus strand). VCF-style: chr14-95124510-T-C. GRCh37 (hg19) VCF-style: chr14-95590847-T-C.
Other names: c.1062A>G, p.Lys354= (NM_001195573.1, NM_001271282.3, NM_001291628.2 and 14 more transcripts); c.780A>G, p.Lys260= (NM_001395686.1); c.657A>G, p.Lys219= (NM_001395687.1, NM_001395688.1, NM_001395689.1 and 3 more transcripts); c.495A>G, p.Lys165= (NM_001395691.1); c.-507A>G (NM_001395697.1).
Identifiers: ClinVar variation 4875872 (VCV004875872.1).